The following is an entry in ClinVar:

NM_015311.3(OBSL1):c.1228T>C (p.Tyr410His)

Gene: OBSL1 (obscurin like cytoskeletal adaptor 1; minus strand). Cytogenetic location: 2q35.
Variant type: single nucleotide variant.
Coding change: c.1228T>C on transcript NM_015311.3 (MANE Select); coding-DNA position 1228, T replaced by C.
Protein change: p.Tyr410His; replaces tyrosine 410 with histidine.
Molecular consequence: missense variant.
Genome position (GRCh38, 1-based): chr2:219,568,109, A>G on the plus strand (T>C on the coding strand, the complement: OBSL1 is on the minus strand). VCF-style: chr2-219568109-A-G. GRCh37 (hg19) VCF-style: chr2-220432831-A-G.
Other names: c.1228T>C, p.Tyr410His (NM_001173408.2, NM_001173431.2); short protein forms Y410H.
Identifiers: ClinVar variation 896260 (VCV000896260.13), dbSNP rs563580301, ClinGen allele CA2131605.

ClinVar aggregate classification (germline): Conflicting classifications of pathogenicity. Review status: criteria provided, conflicting classifications (1 of 4 stars). 3 submissions from 3 submitters: Uncertain significance (1); Likely benign (1). 1 of the submissions does not count toward it. Last evaluated 2026-01-14.

Conditions:
3M syndrome 2. Also called: 3-M Syndrome, OBSL1-Related; THREE M SYNDROME 2. Identifiers: Orphanet 2616, MedGen C2752041, MONDO:0013039, OMIM 612921.
OBSL1-related disorder. Also called: OBSL1-related condition.

Allele frequency attached by ClinVar (database versions not stated): gnomAD 0.00001 and 0.00009; TOPMed 0.00005; 1000 Genomes Project 30x 0.00125; 1000 Genomes Project 0.00140.
gnomAD v4.1: 200 of 1,613,788 alleles (0.012%); highest among the groups gnomAD compares: South Asian, 0.19%; 1 homozygote.

Submissions (3):

Labcorp Genetics (formerly Invitae), Labcorp
Classification: Likely benign. Last evaluated: 2026-01-14. Review status: criteria provided, single submitter. Criteria: Invitae Variant Classification Sherloc (09022015). Collection method: clinical testing. Allele origin: germline.

Illumina Laboratory Services, Illumina
Classification: Uncertain significance for 3M syndrome 2. Last evaluated: 2018-01-12. Review status: criteria provided, single submitter. Criteria: ICSL Variant Classification Criteria 13 December 2019. Collection method: clinical testing. Allele origin: germline.

PreventionGenetics, part of Exact Sciences
Classification: Likely benign for OBSL1-related condition. Last evaluated: 2023-02-14. Review status: no assertion criteria provided. Collection method: clinical testing. Allele origin: germline. Not counted in ClinVar's aggregate classification.
Comment: This variant is classified as likely benign based on ACMG/AMP sequence variant interpretation guidelines (Richards et al. 2015 PMID: 25741868, with internal and published modifications).